The following is an entry in ClinVar:

NM_014363.6(SACS):c.8288A>G (p.Tyr2763Cys)

Gene: SACS (sacsin molecular chaperone; minus strand). Cytogenetic location: 13q12.12.
Variant type: single nucleotide variant.
Coding change: c.8288A>G on transcript NM_014363.6 (MANE Select); coding-DNA position 8288, A replaced by G.
Protein change: p.Tyr2763Cys; replaces tyrosine 2763 with cysteine.
Molecular consequence: missense variant.
Genome position (GRCh38, 1-based): chr13:23,335,588, T>C on the plus strand (A>G on the coding strand, the complement: SACS is on the minus strand). VCF-style: chr13-23335588-T-C. GRCh37 (hg19) VCF-style: chr13-23909727-T-C.
Other names: c.7847A>G, p.Tyr2616Cys (NM_001278055.2); short protein forms Y2763C, Y2616C.
Identifiers: ClinVar variation 1920380 (VCV001920380.4), dbSNP rs762070357, ClinGen allele CA6910791.
Genomic context (GRCh38, chr13:23,335,588, plus strand): 5'-GATGCATGAAATTGTTTCCTTTTCAATCTGTCTCCATCTGTGATTTTGCCCTTTACTGAA[T>C]ACAGCACATTTAGAGCTCCAGTACTCTTATCTATTTCACAAATAGAAATTTTTTCCATGT-3'
Protein context (NP_055178.3, residues 2753-2773): DKSTGALNVL[Tyr2763Cys]SVKGKITDGD

ClinVar aggregate classification (germline): Uncertain significance. Review status: criteria provided, multiple submitters, no conflicts (2 of 4 stars). 2 submissions from 2 submitters: Uncertain significance (2). Last evaluated 2025-08-23.

Conditions:
Inborn genetic diseases. Identifiers: MedGen C0950123, MeSH D030342.
Spastic paraplegia. Identifiers: MedGen C0037772, HP:0001258.

Allele frequency attached by ClinVar (database versions not stated): gnomAD exomes 0.00001; ExAC 0.00002; TOPMed 0.00002.
gnomAD v4.1: 8 of 1,613,880 alleles (0.0005%); highest among the groups gnomAD compares: Admixed American, 0.012%; no homozygotes.

Submissions (2):

Ambry Genetics
Classification: Uncertain significance for Inborn genetic diseases. Last evaluated: 2025-08-23. Review status: criteria provided, single submitter. Criteria: Ambry Variant Classification Scheme 2023. Collection method: clinical testing. Allele origin: germline.

Labcorp Genetics (formerly Invitae), Labcorp
Classification: Uncertain significance for Spastic paraplegia. Last evaluated: 2022-02-09. Review status: criteria provided, single submitter. Criteria: Invitae Variant Classification Sherloc (09022015). Collection method: clinical testing. Allele origin: germline.
Comment: This sequence change replaces tyrosine, which is neutral and polar, with cysteine, which is neutral and slightly polar, at codon 2763 of the SACS protein (p.Tyr2763Cys). This variant is present in population databases (rs762070357, gnomAD 0.02%). This variant has not been reported in the literature in individuals affected with SACS-related conditions. Algorithms developed to predict the effect of missense changes on protein structure and function are either unavailable or do not agree on the potential impact of this missense change (SIFT: "Deleterious"; PolyPhen-2: "Probably Damaging"; Align-GVGD: "Class C0"). In summary, the available evidence is currently insufficient to determine the role of this variant in disease. Therefore, it has been classified as a Variant of Uncertain Significance.